The following is an entry in ClinVar:

NM_000152.5(GAA):c.1431T>G (p.Ile477Met)

Gene: GAA (alpha glucosidase; plus strand). Cytogenetic location: 17q25.3.
Variant type: single nucleotide variant.
Coding change: c.1431T>G on transcript NM_000152.5 (MANE Select); coding-DNA position 1431, T replaced by G.
Protein change: p.Ile477Met; replaces isoleucine 477 with methionine.
Molecular consequence: missense variant.
Genome position (GRCh38, 1-based): chr17:80,110,049, T>G. VCF-style: chr17-80110049-T-G. GRCh37 (hg19) VCF-style: chr17-78083848-T-G.
Other names: c.1431T>G (LRG_673t1); c.1431T>G, p.Ile477Met (NM_001079803.3, NM_001079804.3); short protein forms I477M.
Identifiers: ClinVar variation 655270 (VCV000655270.13), dbSNP rs1598580369, ClinGen allele CA401366647.

ClinVar aggregate classification (germline): Uncertain significance. Review status: criteria provided, single submitter (1 of 4 stars). 2 submissions from 2 submitters: Uncertain significance (1). 1 of the submissions does not count toward it. Last evaluated 2022-07-05.

Conditions:
Glycogen storage disease, type II (IOPD). Also called: POMPE DISEASE, INFANTILE-ONSET; GLYCOGEN STORAGE DISEASE II, INFANTILE-ONSET; ACID ALPHA-GLUCOSIDASE DEFICIENCY, INFANTILE-ONSET; GAA DEFICIENCY, INFANTILE-ONSET; ACID MALTASE DEFICIENCY, INFANTILE-ONSET; GLYCOGENOSIS, GENERALIZED, CARDIAC FORM. Identifiers: Orphanet 365, MedGen C0017921, MONDO:0009290, OMIM 232300.

Submissions (2):

Labcorp Genetics (formerly Invitae), Labcorp
Classification: Uncertain significance for Glycogen storage disease, type II. Last evaluated: 2022-07-05. Review status: criteria provided, single submitter. Criteria: Invitae Variant Classification Sherloc (09022015). Collection method: clinical testing. Allele origin: germline.
Comment: Advanced modeling of protein sequence and biophysical properties (such as structural, functional, and spatial information, amino acid conservation, physicochemical variation, residue mobility, and thermodynamic stability) performed at Invitae indicates that this missense variant is expected to disrupt GAA protein function. In summary, the available evidence is currently insufficient to determine the role of this variant in disease. Therefore, it has been classified as a Variant of Uncertain Significance. ClinVar contains an entry for this variant (Variation ID: 655270). This variant has not been reported in the literature in individuals affected with GAA-related conditions. This variant is not present in population databases (gnomAD no frequency). This sequence change replaces isoleucine, which is neutral and non-polar, with methionine, which is neutral and non-polar, at codon 477 of the GAA protein (p.Ile477Met).

Natera, Inc.
Classification: Uncertain significance for Glycogen storage disease type II. Last evaluated: 2021-06-02. Review status: no assertion criteria provided. Collection method: clinical testing. Allele origin: germline. Not counted in ClinVar's aggregate classification.